The following is an entry in ClinVar:

ClinVar aggregate classification (germline): Uncertain significance. Review status: criteria provided, multiple submitters, no conflicts (2 of 4 stars). 2 submissions from 2 submitters: Uncertain significance (2). Last evaluated 2025-12-29.

Conditions:
MTMR2-related disorder. Also called: MTMR2-related condition.
Charcot-Marie-Tooth disease type 4. Also called: Charcot-Marie-Tooth disease, type IV; Charcot-Marie-Tooth, Type 4. Identifiers: Orphanet 64749, MedGen C4082197, MONDO:0018995.

Allele frequency attached by ClinVar (database versions not stated): gnomAD 0.00001; ExAC 0.00002; TOPMed 0.00003; ESP Exome Variant Server 0.00015.
gnomAD v4.1: 3 of 1,613,590 alleles (0.00019%); highest among the groups gnomAD compares: African/African-American, 0.004%; no homozygotes.

Submissions (2):

PreventionGenetics, part of Exact Sciences
Classification: Uncertain significance for MTMR2-related condition. Last evaluated: 2025-12-29. Review status: criteria provided, single submitter. Criteria: ACMG Guidelines, 2015. Collection method: clinical testing. Allele origin: germline.
Comment: The MTMR2 c.131T>C variant is predicted to result in the amino acid substitution p.Val44Ala. To our knowledge, this variant has not been reported in the literature. This variant is reported in 0.025% of alleles in individuals of African descent in gnomAD. At this time, the clinical significance of this variant is uncertain due to the absence of conclusive functional and genetic evidence.

Labcorp Genetics (formerly Invitae), Labcorp
Classification: Uncertain significance for Charcot-Marie-Tooth disease type 4. Last evaluated: 2021-12-17. Review status: criteria provided, single submitter. Criteria: Invitae Variant Classification Sherloc (09022015). Collection method: clinical testing. Allele origin: germline.
Comment: In summary, the available evidence is currently insufficient to determine the role of this variant in disease. Therefore, it has been classified as a Variant of Uncertain Significance. Advanced modeling of protein sequence and biophysical properties (such as structural, functional, and spatial information, amino acid conservation, physicochemical variation, residue mobility, and thermodynamic stability) performed at Invitae indicates that this missense variant is not expected to disrupt MTMR2 protein function. This variant has not been reported in the literature in individuals affected with MTMR2-related conditions. This variant is present in population databases (rs375382954, gnomAD 0.03%). This sequence change replaces valine, which is neutral and non-polar, with alanine, which is neutral and non-polar, at codon 44 of the MTMR2 protein (p.Val44Ala).

NM_016156.6(MTMR2):c.131T>C (p.Val44Ala)

Gene: MTMR2 (myotubularin related protein 2; minus strand). Cytogenetic location: 11q21.
Variant type: single nucleotide variant.
Coding change: c.131T>C on transcript NM_016156.6 (MANE Select); coding-DNA position 131, T replaced by C.
Protein change: p.Val44Ala; replaces valine 44 with alanine.
Molecular consequence: missense variant. On other transcripts: 5 prime UTR variant (3).
Genome position (GRCh38, 1-based): chr11:95,888,211, A>G on the plus strand (T>C on the coding strand, the complement: MTMR2 is on the minus strand). VCF-style: chr11-95888211-A-G. GRCh37 (hg19) VCF-style: chr11-95621375-A-G.
Other names: c.-282T>C (NM_001243571.2); c.-209T>C (NM_201278.3); c.-86T>C (NM_201281.3); short protein forms V44A.
Identifiers: ClinVar variation 2188497 (VCV002188497.5), dbSNP rs375382954, ClinGen allele CA6240459.